The following is an entry in ClinVar:

ClinVar aggregate classification (germline): Uncertain significance. Review status: criteria provided, multiple submitters, no conflicts (2 of 4 stars). 3 submissions from 3 submitters: Uncertain significance (2). 1 of the submissions does not count toward it. Last evaluated 2022-07-06.

Conditions:
Inborn genetic diseases. Identifiers: MedGen C0950123, MeSH D030342.
Cohen syndrome (COH1). Also called: Cutis verticis gyrata, retinitis pigmentosa, and sensorineural deafness; PEPPER SYNDROME. Identifiers: Orphanet 193, MedGen C0265223, MONDO:0008999, OMIM 216550.

Allele frequency attached by ClinVar (database versions not stated): gnomAD exomes below 0.00001; ExAC 0.00001; gnomAD 0.00001; TOPMed 0.00001.
gnomAD v4.1: 5 of 1,613,988 alleles (0.00031%); highest among the groups gnomAD compares: African/African-American, 0.0053%; no homozygotes.

Submissions (3):

Labcorp Genetics (formerly Invitae), Labcorp
Classification: Uncertain significance for Cohen syndrome. Last evaluated: 2022-07-06. Review status: criteria provided, single submitter. Criteria: Invitae Variant Classification Sherloc (09022015). Collection method: clinical testing. Allele origin: germline.
Comment: This sequence change falls in intron 2 of the VPS13B gene. It does not directly change the encoded amino acid sequence of the VPS13B protein. It affects a nucleotide within the consensus splice site. This variant is present in population databases (rs772550162, gnomAD 0.007%). This variant has not been reported in the literature in individuals affected with VPS13B-related conditions. ClinVar contains an entry for this variant (Variation ID: 1025230). Variants that disrupt the consensus splice site are a relatively common cause of aberrant splicing (PMID: 17576681, 9536098). Algorithms developed to predict the effect of sequence changes on RNA splicing suggest that this variant is not likely to affect RNA splicing. In summary, the available evidence is currently insufficient to determine the role of this variant in disease. Therefore, it has been classified as a Variant of Uncertain Significance.

Ambry Genetics
Classification: Uncertain significance for Inborn genetic diseases. Last evaluated: 2017-07-10. Review status: criteria provided, single submitter. Criteria: Ambry Variant Classification Scheme 2023. Collection method: clinical testing. Allele origin: germline.
Comment: The c.147+3A>G intronic variant results from an A to G substitution 3 nucleotides after coding exon 1 in the VPS13B gene. This nucleotide position is well conserved in available vertebrate species. This alteration is not predicted to have a significant effect on splicing by the BDGP and ESEfinder in silico splicing models; however experimental evidence is not currently available. Since supporting evidence is limited at this time, the clinical significance of this alteration remains unclear.

Natera, Inc.
Classification: Uncertain significance for Cohen syndrome. Last evaluated: 2019-10-29. Review status: no assertion criteria provided. Collection method: clinical testing. Allele origin: germline. Not counted in ClinVar's aggregate classification.

Literature cited by the submitters: PubMed 17576681 (cited by Labcorp Genetics (formerly Invitae), Labcorp); PubMed 9536098 (cited by Labcorp Genetics (formerly Invitae), Labcorp).

NM_152564.5(VPS13B):c.147+3A>G

Gene: VPS13B (vacuolar protein sorting 13 homolog B; plus strand). Cytogenetic location: 8q22.2.
Variant type: single nucleotide variant.
Coding change: c.147+3A>G on transcript NM_152564.5 (MANE Select); 3 bases into the intron after coding-DNA position 147, A replaced by G.
Molecular consequence: intron variant.
Genome position (GRCh38, 1-based): chr8:99,013,938, A>G. VCF-style: chr8-99013938-A-G. GRCh37 (hg19) VCF-style: chr8-100026166-A-G.
Other names: c.147+3A>G (NM_017890.3, NM_017890.5, NM_015243.3 and 1 more transcripts).
Identifiers: ClinVar variation 1025230 (VCV001025230.7), dbSNP rs772550162, ClinGen allele CA4822287.